The following is an entry in ClinVar:

ClinVar aggregate classification (germline): Uncertain significance. Review status: criteria provided, multiple submitters, no conflicts (2 of 4 stars). 2 submissions from 2 submitters: Uncertain significance (2). Last evaluated 2025-04-09.

Conditions:
Cardiovascular phenotype. Identifiers: MedGen CN230736.
Dilated cardiomyopathy 1AA (CMD1AA). Also called: Cardiomyopathy, dilated, 1AA, with or without LVNC; CARDIOMYOPATHY, DILATED, 1AA, WITH OR WITHOUT LEFT VENTRICULAR NONCOMPACTION; CARDIOMYOPATHY, FAMILIAL HYPERTROPHIC, 23, WITH OR WITHOUT LEFT VENTRICULAR NONCOMPACTION. Identifiers: Orphanet 154, MedGen C2677338, MONDO:0012808, OMIM 612158.
Primary familial hypertrophic cardiomyopathy (HCM). Identifiers: Orphanet 99739, MedGen C0949658, MeSH D024741, MONDO:0024573. Inheritance: Various modes of inheritance.

Allele frequency attached by ClinVar (database versions not stated): gnomAD exomes below 0.00001; ExAC 0.00001.
gnomAD v4.1: 4 of 1,614,176 alleles (0.00025%); highest among the groups gnomAD compares: Non-Finnish European, 0.000085%; no homozygotes.

Submissions (2):

Molecular Diagnostic Laboratory for Inherited Cardiovascular Disease, Montreal Heart Institute
Classification: Uncertain significance for Cardiovascular phenotype. Last evaluated: 2025-04-09. Review status: criteria provided, single submitter. Criteria: ACMG Guidelines, 2015. Collection method: clinical testing. Allele origin: germline. Affected: yes.

Labcorp Genetics (formerly Invitae), Labcorp
Classification: Uncertain significance for Primary familial hypertrophic cardiomyopathy; Dilated cardiomyopathy 1AA. Last evaluated: 2022-09-30. Review status: criteria provided, single submitter. Criteria: Invitae Variant Classification Sherloc (09022015). Collection method: clinical testing. Allele origin: germline.
Comment: In summary, the available evidence is currently insufficient to determine the role of this variant in disease. Therefore, it has been classified as a Variant of Uncertain Significance. Advanced modeling of protein sequence and biophysical properties (such as structural, functional, and spatial information, amino acid conservation, physicochemical variation, residue mobility, and thermodynamic stability) performed at Invitae indicates that this missense variant is expected to disrupt ACTN2 protein function. This variant has not been reported in the literature in individuals affected with ACTN2-related conditions. This variant is present in population databases (rs755807415, gnomAD 0.003%). This sequence change replaces arginine, which is basic and polar, with cysteine, which is neutral and slightly polar, at codon 357 of the ACTN2 protein (p.Arg357Cys).

NM_001103.4(ACTN2):c.1069C>T (p.Arg357Cys)

Gene: ACTN2 (actinin alpha 2; plus strand). Cytogenetic location: 1q43.
Variant type: single nucleotide variant.
Coding change: c.1069C>T on transcript NM_001103.4 (MANE Select); coding-DNA position 1069, C replaced by T.
Protein change: p.Arg357Cys; replaces arginine 357 with cysteine.
Molecular consequence: missense variant.
Genome position (GRCh38, 1-based): chr1:236,739,494, C>T. VCF-style: chr1-236739494-C-T. GRCh37 (hg19) VCF-style: chr1-236902794-C-T.
Other names: c.1069C>T (NM_001103.3); c.1069C>T, p.Arg357Cys (NM_001278343.2); c.445C>T, p.Arg149Cys (NM_001278344.2); c.319C>T, p.Arg107Cys (NM_001412150.1); short protein forms R149C, R107C, R357C.
Identifiers: ClinVar variation 2069731 (VCV002069731.5), dbSNP rs755807415, ClinGen allele CA1473035.